The following is an entry in ClinVar:

ClinVar aggregate classification (germline): Pathogenic. Review status: criteria provided, multiple submitters, no conflicts (2 of 4 stars). 3 submissions from 3 submitters: Pathogenic (3). Last evaluated 2023-01-13.

Conditions:
Hereditary cancer-predisposing syndrome. Also called: Neoplastic Syndromes, Hereditary; Tumor predisposition; Hereditary Cancer Syndrome; Hereditary neoplastic syndrome. Identifiers: Orphanet 140162, MedGen C0027672, MeSH D009386, MONDO:0015356.
Familial cancer of breast. Also called: BREAST CANCER, FAMILIAL; Hereditary breast cancer; hereditary breast carcinoma. Identifiers: Orphanet 227535, MedGen C0346153, MONDO:0016419, OMIM 114480. Disease mechanism: loss of function.

Submissions (3):

Myriad Genetics, Inc.
Classification: Pathogenic for Familial cancer of breast. Last evaluated: 2023-01-13. Review status: criteria provided, single submitter. Criteria: Myriad Autosomal Dominant, Autosomal Recessive and X-Linked Classification Criteria (2023). Collection method: clinical testing. Allele origin: unknown.
Comment: This variant is considered pathogenic. This variant creates a termination codon and is predicted to result in premature protein truncation.

Baylor Genetics
Classification: Pathogenic for Familial cancer of breast. Last evaluated: 2021-10-13. Review status: criteria provided, single submitter. Criteria: ACMG Guidelines, 2015. Collection method: clinical testing. Allele origin: unknown.

Ambry Genetics
Classification: Pathogenic for Hereditary cancer-predisposing syndrome. Last evaluated: 2015-12-29. Review status: criteria provided, single submitter. Criteria: Ambry Variant Classification Scheme 2023. Collection method: clinical testing. Allele origin: germline.
Comment: The p.W579* pathogenic mutation (also known as c.1736G>A), located in coding exon 10 of the ATM gene, results from a G to A substitution at nucleotide position 1736. This changes the amino acid from a tryptophan to a stop codon within coding exon 10. Since premature stop codons are typically deleterious in nature, this alteration is interpreted as a disease-causing mutation (ACMG Recommendations for Standards for Interpretation and Reporting of Sequence Variations. Revision 2007. Genet Med. 2008;10:294).

NM_000051.4(ATM):c.1736G>A (p.Trp579Ter)

Gene: ATM (ATM serine/threonine kinase; plus strand). Cytogenetic location: 11q22.3.
Variant type: single nucleotide variant.
Coding change: c.1736G>A on transcript NM_000051.4 (MANE Select); coding-DNA position 1736, G replaced by A.
Protein change: p.Trp579Ter; replaces tryptophan 579 with a stop codon.
Molecular consequence: nonsense.
Genome position (GRCh38, 1-based): chr11:108,251,965, G>A. VCF-style: chr11-108251965-G-A. GRCh37 (hg19) VCF-style: chr11-108122692-G-A.
Other names: c.1736G>A, p.Trp579Ter (NM_001351834.2); short protein forms W579*.
Identifiers: ClinVar variation 1779085 (VCV001779085.4), dbSNP rs2135342585, ClinGen allele CA382535319.